The following is an entry in ClinVar:

ClinVar aggregate classification (germline): Uncertain significance (1 of 4 stars; one submission).

Submission:

Labcorp Genetics (formerly Invitae), Labcorp
Classification: Uncertain significance. Last evaluated: 2022-03-19. Review status: criteria provided, single submitter. Criteria: Invitae Variant Classification Sherloc (09022015). Collection method: clinical testing. Allele origin: germline.
Comment: This sequence change replaces proline, which is neutral and non-polar, with serine, which is neutral and polar, at codon 3820 of the ZNF469 protein (p.Pro3820Ser). This variant is not present in population databases (gnomAD no frequency). This variant has not been reported in the literature in individuals affected with ZNF469-related conditions. Algorithms developed to predict the effect of missense changes on protein structure and function are either unavailable or do not agree on the potential impact of this missense change (SIFT: "Tolerated"; PolyPhen-2: "Probably Damaging"; Align-GVGD: "Class C0"). In summary, the available evidence is currently insufficient to determine the role of this variant in disease. Therefore, it has been classified as a Variant of Uncertain Significance.

NM_001367624.2(ZNF469):c.11542C>T (p.Pro3848Ser)

Gene: ZNF469 (zinc finger protein 469; plus strand). Cytogenetic location: 16q24.2.
Variant type: single nucleotide variant.
Coding change: c.11542C>T on transcript NM_001367624.2 (MANE Select); coding-DNA position 11542, C replaced by T.
Protein change: p.Pro3848Ser; replaces proline 3848 with serine.
Molecular consequence: missense variant.
Genome position (GRCh38, 1-based): chr16:88,439,012, C>T. VCF-style: chr16-88439012-C-T. GRCh37 (hg19) VCF-style: chr16-88505420-C-T.
Other names: short protein forms P3848S.
Identifiers: ClinVar variation 1970477 (VCV001970477.5), dbSNP rs2507609400, ClinGen allele CA397130362.